The following is an entry in ClinVar:

NM_001029896.2(WDR45):c.884G>A (p.Trp295Ter)

Gene: WDR45 (WD repeat domain 45; minus strand). Cytogenetic location: Xp11.23.
Variant type: single nucleotide variant.
Coding change: c.884G>A on transcript NM_001029896.2 (MANE Select); coding-DNA position 884, G replaced by A.
Protein change: p.Trp295Ter; replaces tryptophan 295 with a stop codon.
Molecular consequence: nonsense.
Genome position (GRCh38, 1-based): chrX:49,075,225, C>T on the plus strand (G>A on the coding strand, the complement: WDR45 is on the minus strand). VCF-style: chrX-49075225-C-T. GRCh37 (hg19) VCF-style: chrX-48932884-C-T.
Other names: c.887G>A, p.Trp296Ter (NM_007075.4); short protein forms W296*, W295*.
Identifiers: ClinVar variation 429970 (VCV000429970.2), dbSNP rs1131691703, ClinGen allele CA412942207.

ClinVar aggregate classification (germline): Pathogenic (1 of 4 stars; one submission).

Submission:

GeneDx
Classification: Pathogenic. Last evaluated: 2017-05-18. Review status: criteria provided, single submitter. Criteria: GeneDx Variant Classification (06012015). Collection method: clinical testing. Allele origin: germline. Affected: yes.
Comment: The W296X nonsense variant in the WDR45 gene is predicted to cause loss of normal protein function either through protein truncation or nonsense-mediated mRNA decay. The W296X variant is not observed in large population cohorts (Lek et al., 2016; 1000 Genomes Consortium et al., 2015; Exome Variant Server).